The following is an entry in ClinVar:

ClinVar aggregate classification (germline): Uncertain significance (1 of 4 stars; one submission).

Conditions:
Diamond-Blackfan anemia. Also called: Blackfan Diamond syndrome; Aregenerative anemia chronic congenital; Red cell aplasia, pure hereditary; Congenital hypoplastic anemia; Aase syndrome. Identifiers: Orphanet 124, MedGen C1260899, MeSH D029503, MONDO:0015253, HP:0004810.

Submission:

Labcorp Genetics (formerly Invitae), Labcorp
Classification: Uncertain significance for Diamond-Blackfan anemia. Last evaluated: 2024-07-24. Review status: criteria provided, single submitter. Criteria: Invitae Variant Classification Sherloc (09022015). Collection method: clinical testing. Allele origin: germline.
Comment: This sequence change replaces glutamic acid, which is acidic and polar, with lysine, which is basic and polar, at codon 82 of the RPL5 protein (p.Glu82Lys). This variant is not present in population databases (gnomAD no frequency). This variant has not been reported in the literature in individuals affected with RPL5-related conditions. ClinVar contains an entry for this variant (Variation ID: 1434506). Advanced modeling of protein sequence and biophysical properties (such as structural, functional, and spatial information, amino acid conservation, physicochemical variation, residue mobility, and thermodynamic stability) has been performed at Invitae for this missense variant, however the output from this modeling did not meet the statistical confidence thresholds required to predict the impact of this variant on RPL5 protein function. In summary, the available evidence is currently insufficient to determine the role of this variant in disease. Therefore, it has been classified as a Variant of Uncertain Significance.

NM_000969.5(RPL5):c.244G>A (p.Glu82Lys)

Genes: DIPK1A (divergent protein kinase domain 1A; minus strand), RPL5 (ribosomal protein L5; plus strand). Cytogenetic location: 1p22.1.
Variant type: single nucleotide variant.
Coding change: c.244G>A on transcript NM_000969.5 (MANE Select); coding-DNA position 244, G replaced by A.
Protein change: p.Glu82Lys; replaces glutamic acid 82 with lysine.
Molecular consequence: missense variant. On other transcripts: non-coding transcript variant (1), intron variant (1).
Genome position (GRCh38, 1-based): chr1:92,834,833, G>A. VCF-style: chr1-92834833-G-A. GRCh37 (hg19) VCF-style: chr1-93300390-G-A.
Other names: c.475-1799C>T (NM_001252273.2); short protein forms E82K.
Identifiers: ClinVar variation 1434506 (VCV001434506.8), dbSNP rs587777117, ClinGen allele CA341241557.